The following is an entry in ClinVar:

NM_001142966.3(GREB1L):c.1394-6A>G

Genes: GREB1L (GREB1 like retinoic acid receptor coactivator; plus strand), GREB1L-AS1 (GREB1L antisense RNA 1; minus strand). Cytogenetic location: 18q11.1.
Variant type: single nucleotide variant.
Coding change: c.1394-6A>G on transcript NM_001142966.3 (MANE Select); 6 bases into the intron before coding-DNA position 1394, A replaced by G.
Molecular consequence: intron variant.
Genome position (GRCh38, 1-based): chr18:21,449,504, A>G. VCF-style: chr18-21449504-A-G. GRCh37 (hg19) VCF-style: chr18-19029465-A-G.
Other names: c.1394-6A>G (NM_001142966.1).
Identifiers: ClinVar variation 2056022 (VCV002056022.6), dbSNP rs570797238, ClinGen allele CA8906404.
Genomic context (GRCh38, chr18:21,449,504, plus strand): 5'-TATGGGTGTGTGTGTCTCTCCTCCCTGTGATTCTTTAAATTCCAGCTGTAATTCTCTTCT[A>G]TATAGGTCCTGATCAGGTACCTCTCAGGGAAGAATTTGAGCAAATTATGCTGAAAGCTAT-3'

ClinVar aggregate classification (germline): Benign. Review status: criteria provided, single submitter (1 of 4 stars). 2 submissions from 2 submitters: Benign (1). 1 of the submissions does not count toward it. Last evaluated 2025-09-09.

Conditions:
GREB1L-related disorder. Also called: GREB1L-related condition.

Allele frequency attached by ClinVar (database versions not stated): TOPMed 0.00004; gnomAD 0.00021; ExAC 0.00094; 1000 Genomes Project 0.00160; 1000 Genomes Project 30x 0.00219.
gnomAD v4.1: 514 of 1,499,912 alleles (0.034%); highest among the groups gnomAD compares: South Asian, 0.61%; 4 homozygotes.

Submissions (2):

Labcorp Genetics (formerly Invitae), Labcorp
Classification: Benign. Last evaluated: 2025-09-09. Review status: criteria provided, single submitter. Criteria: Invitae Variant Classification Sherloc (09022015). Collection method: clinical testing. Allele origin: germline.

PreventionGenetics, part of Exact Sciences
Classification: Benign for GREB1L-related condition. Last evaluated: 2019-04-22. Review status: no assertion criteria provided. Collection method: clinical testing. Allele origin: germline. Not counted in ClinVar's aggregate classification.
Comment: This variant is classified as benign based on ACMG/AMP sequence variant interpretation guidelines (Richards et al. 2015 PMID: 25741868, with internal and published modifications).